The following is an entry in ClinVar:

ClinVar aggregate classification (germline): Benign/Likely benign. Review status: criteria provided, multiple submitters, no conflicts (2 of 4 stars). 5 submissions from 5 submitters: Benign (2); Likely benign (1). 2 of the submissions do not count toward it. Last evaluated 2026-01-27.

Allele frequency attached by ClinVar (database versions not stated): gnomAD exomes 0.00146 and 0.00055; gnomAD 0.00645 and 0.00591; 1000 Genomes Project 30x 0.00718; ExAC 0.00179; ESP Exome Variant Server 0.00530; TOPMed 0.00644; 1000 Genomes Project 0.00659.
gnomAD v4.1: 1,728 of 1,596,768 alleles (0.11%); highest among the groups gnomAD compares: African/African-American, 2.1%; 17 homozygotes.

Submissions (5):

Labcorp Genetics (formerly Invitae), Labcorp
Classification: Benign. Last evaluated: 2026-01-27. Review status: criteria provided, single submitter. Criteria: Invitae Variant Classification Sherloc (09022015). Collection method: clinical testing. Allele origin: germline.

GeneDx
Classification: Likely benign. Last evaluated: 2023-08-25. Review status: criteria provided, single submitter. Criteria: GeneDx Variant Classification Process June 2021. Collection method: clinical testing. Allele origin: germline.
Comment: See Variant Classification Assertion Criteria.

Breakthrough Genomics
Classification: Benign. Review status: criteria provided, single submitter. Criteria: ACMG Guidelines, 2015. Collection method: not provided. Allele origin: germline. Inheritance: Autosomal recessive inheritance. Affected: yes.

Clinical Genetics DNA and cytogenetics Diagnostics Lab, Erasmus MC, Erasmus Medical Center
Classification: Benign. Review status: no assertion criteria provided. Collection method: clinical testing. Allele origin: germline. Affected: yes. Study: VKGL Data-share Consensus. Not counted in ClinVar's aggregate classification.

Laboratory of Diagnostic Genome Analysis, Leiden University Medical Center (LUMC)
Classification: Likely benign. Review status: no assertion criteria provided. Collection method: clinical testing. Allele origin: germline. Affected: yes. Study: VKGL Data-share Consensus. Not counted in ClinVar's aggregate classification.

NM_020812.4(DOCK6):c.4933G>A (p.Val1645Ile)

Genes: DOCK6 (dedicator of cytokinesis 6; minus strand), DOCK6-AS1 (DOCK6 antisense RNA 1; plus strand). Cytogenetic location: 19p13.2.
Variant type: single nucleotide variant.
Coding change: c.4933G>A on transcript NM_020812.4 (MANE Select); coding-DNA position 4933, G replaced by A.
Protein change: p.Val1645Ile; replaces valine 1645 with isoleucine.
Molecular consequence: missense variant.
Genome position (GRCh38, 1-based): chr19:11,208,922, C>T on the plus strand (G>A on the coding strand, the complement: DOCK6 is on the minus strand). VCF-style: chr19-11208922-C-T. GRCh37 (hg19) VCF-style: chr19-11319598-C-T.
Other names: c.5038G>A, p.Val1680Ile (NM_001367830.1); short protein forms V1645I, V1680I.
Identifiers: ClinVar variation 781455 (VCV000781455.15), dbSNP rs34853494, ClinGen allele CA9206686.